The following is an entry in ClinVar:

NM_018136.5(ASPM):c.8857T>C (p.Cys2953Arg)

Gene: ASPM (assembly factor for spindle microtubules; minus strand). Cytogenetic location: 1q31.3.
Variant type: single nucleotide variant.
Coding change: c.8857T>C on transcript NM_018136.5 (MANE Select); coding-DNA position 8857, T replaced by C.
Protein change: p.Cys2953Arg; replaces cysteine 2953 with arginine.
Molecular consequence: missense variant.
Genome position (GRCh38, 1-based): chr1:197,096,128, A>G on the plus strand (T>C on the coding strand, the complement: ASPM is on the minus strand). VCF-style: chr1-197096128-A-G. GRCh37 (hg19) VCF-style: chr1-197065258-A-G.
Other names: c.4102T>C, p.Cys1368Arg (NM_001206846.2); short protein forms C2953R, C1368R.
Identifiers: ClinVar variation 2052583 (VCV002052583.2), dbSNP rs112020116, ClinGen allele CA35865242.

ClinVar aggregate classification (germline): Uncertain significance (1 of 4 stars; one submission).

Allele frequency attached by ClinVar (database versions not stated): gnomAD exomes below 0.00001; gnomAD 0.00001; 1000 Genomes Project 30x 0.00016.
gnomAD v4.1: 4 of 1,608,996 alleles (0.00025%); highest among the groups gnomAD compares: Admixed American, 0.0017%; no homozygotes.

Submission:

Labcorp Genetics (formerly Invitae), Labcorp
Classification: Uncertain significance. Last evaluated: 2022-11-08. Review status: criteria provided, single submitter. Criteria: Invitae Variant Classification Sherloc (09022015). Collection method: clinical testing. Allele origin: germline.
Comment: In summary, the available evidence is currently insufficient to determine the role of this variant in disease. Therefore, it has been classified as a Variant of Uncertain Significance. Algorithms developed to predict the effect of missense changes on protein structure and function output the following: SIFT: "Tolerated"; PolyPhen-2: "Benign"; Align-GVGD: "Class C0". The arginine amino acid residue is found in multiple mammalian species, which suggests that this missense change does not adversely affect protein function. This variant has not been reported in the literature in individuals affected with ASPM-related conditions. This variant is present in population databases (rs112020116, gnomAD no frequency). This sequence change replaces cysteine, which is neutral and slightly polar, with arginine, which is basic and polar, at codon 2953 of the ASPM protein (p.Cys2953Arg).